The following is an entry in ClinVar:

NM_000548.5(TSC2):c.3298del (p.Val1100fs)

Gene: TSC2 (TSC complex subunit 2; plus strand). Cytogenetic location: 16p13.3.
Variant type: Deletion.
Coding change: c.3298del on transcript NM_000548.5 (MANE Select); coding-DNA position 3298, one base deleted (G; older notation c.3298delG).
Protein change: p.Val1100fs; shifts the reading frame from valine 1100.
Molecular consequence: frameshift variant.
Genome position (GRCh38, 1-based): chr16:2,079,570, G deleted; the last of 4 consecutive G bases (chr16:2,079,567-2,079,570); deleting any one gives the same sequence. VCF-style (leftmost placement, unchanged base first): chr16-2079566-CG-C. GRCh37 (hg19) VCF-style: chr16-2129567-CG-C.
Other names: c.3166del, p.Val1056fs (NM_001077183.3, NM_001370404.1); c.3298del, p.Val1100fs (NM_001114382.3); c.3058del, p.Val1020fs (NM_001318827.2); c.3022del, p.Val1008fs (NM_001318829.2); c.2566del, p.Val856fs (NM_001318831.2); c.3199del, p.Val1067fs (NM_001318832.2); c.3169del, p.Val1057fs (NM_001363528.2, NM_001370405.1, NM_021055.3); c.3298delG (NM_000548.4); short protein forms V1008fs, V1067fs, V1020fs, V1057fs, V856fs, V1056fs, V1100fs.
Identifiers: ClinVar variation 49786 (VCV000049786.6), dbSNP rs137854162, ClinGen allele CA018853.

ClinVar aggregate classification (germline): Pathogenic. Review status: criteria provided, multiple submitters, no conflicts (2 of 4 stars). 4 submissions from 4 submitters: Pathogenic (3). 1 of the submissions does not count toward it. Last evaluated 2026-01-13.

Conditions:
TSC2-related disorder. Also called: TSC2-Related Disorders; TSC2-related condition.
Hereditary cancer-predisposing syndrome. Also called: Hereditary Cancer Syndrome; Neoplastic Syndromes, Hereditary; Hereditary neoplastic syndrome; Tumor predisposition. Identifiers: Orphanet 140162, MedGen C0027672, MeSH D009386, MONDO:0015356.
Tuberous sclerosis syndrome (TSC). Also called: Tuberous Sclerosis Complex; Tuberous sclerosis. Identifiers: Orphanet 805, MedGen C0041341, MONDO:0001734.
Tuberous sclerosis 2 (TSC2). Identifiers: Orphanet 805, MedGen C1860707, MONDO:0013199, OMIM 613254.

Submissions (4):

PreventionGenetics, part of Exact Sciences
Classification: Pathogenic for TSC2-related condition. Last evaluated: 2026-01-13. Review status: criteria provided, single submitter. Criteria: ACMG Guidelines, 2015. Collection method: clinical testing. Allele origin: germline.
Comment: The TSC2 c.3298delG variant is predicted to result in a frameshift and premature protein termination (p.Val1100Cysfs*3). This variant was reported in an individual with tuberous sclerosis complex (TSC) (Supplementary Data 2, Martin et al. 2017. PubMed ID: 28643795). This variant has not been reported in a large population database (gnomAD), indicating this variant is rare. Frameshift variants in TSC2 are expected to be pathogenic. This variant is interpreted as pathogenic.

Dasa
Classification: Pathogenic for Tuberous sclerosis 2. Last evaluated: 2025-12-10. Review status: criteria provided, single submitter. Criteria: DASA Assertion Criteria. Collection method: clinical testing. Allele origin: germline.
Comment: NM_000548.5(TSC2):c.3298del (p.Val1100Cysfs*3) introduces a premature termination codon predicted to result in loss of normal protein function. Loss-of-function is an established mechanism of disease for this gene. The variant is present at low frequency in population datasets. Based on the available data, this variant is classified as pathogenic.

Ambry Genetics
Classification: Pathogenic for Hereditary cancer-predisposing syndrome. Last evaluated: 2020-05-29. Review status: criteria provided, single submitter. Criteria: Ambry Variant Classification Scheme 2023. Collection method: clinical testing. Allele origin: germline.
Comment: The c.3298delG pathogenic mutation, located in coding exon 28 of the TSC2 gene, results from a deletion of one nucleotide at nucleotide position 3298, causing a translational frameshift with a predicted alternate stop codon (p.V1100Cfs*3). This mutation was identified in tissue from a subependymal giant cell astrocytoma; however, it was not known if the individual had a clinical diagnosis of tuberous sclerosis (Martin KR et al. Nat Commun, 2017 06;8:15816). In addition to the clinical data presented in the literature, this alteration is expected to result in loss of function by premature protein truncation or nonsense-mediated mRNA decay. As such, this alteration is interpreted as a disease-causing mutation.

Tuberous sclerosis database (TSC2)
No classification provided. Condition: TSC. Review status: no classification provided. Criteria: Tuberous Sclerosis Database Assertion Criteria 2015. Collection method: curation. Allele origin: germline. Affected: yes. Not counted in ClinVar's aggregate classification.

Literature cited by the submitters: PubMed 28643795 (cited by Ambry Genetics).